The following is an entry in ClinVar:

NM_001303.4(COX10):c.1305C>G (p.Gly435=)

Gene: COX10 (cytochrome c oxidase assembly factor heme A:farnesyltransferase COX10; plus strand). Cytogenetic location: 17p12.
Variant type: single nucleotide variant.
Coding change: c.1305C>G on transcript NM_001303.4 (MANE Select); coding-DNA position 1305, C replaced by G.
Protein change: p.Gly435=; no amino-acid change (glycine 435 retained).
Molecular consequence: synonymous variant.
Genome position (GRCh38, 1-based): chr17:14,207,186, C>G. VCF-style: chr17-14207186-C-G. GRCh37 (hg19) VCF-style: chr17-14110503-C-G.
Identifiers: ClinVar variation 384245 (VCV000384245.29), dbSNP rs199737206, ClinGen allele CA8402608.
Genomic context (GRCh38, chr17:14,207,186, plus strand): 5'-CCTGTGGCACCTGCCGCTGCTGCTGCTGCTCATGCTCACCTGCAAGCGGCCGAGCGGAGG[C>G]GGGGACGCAGGGCCCCCTCCCAGCTGAGAGCACTGGGACGCCCACCGCCCCTTTCCCTCC-3'
Protein context (NP_001294.2, residues 425-443): LMLTCKRPSG[Gly435=]GDAGPPPS

ClinVar aggregate classification (germline): Likely benign. Review status: criteria provided, multiple submitters, no conflicts (2 of 4 stars). 3 submissions from 3 submitters: Likely benign (3). Last evaluated 2025-06-12.

Allele frequency attached by ClinVar (database versions not stated): 1000 Genomes Project 0.00060; 1000 Genomes Project 30x 0.00078; TOPMed 0.00021.
gnomAD v4.1: 48 of 1,601,962 alleles (0.003%); highest among the groups gnomAD compares: African/African-American, 0.06%; no homozygotes.

Submissions (3):

Labcorp Genetics (formerly Invitae), Labcorp
Classification: Likely benign. Last evaluated: 2025-06-12. Review status: criteria provided, single submitter. Criteria: Invitae Variant Classification Sherloc (09022015). Collection method: clinical testing. Allele origin: germline.

CeGaT Center for Human Genetics Tuebingen
Classification: Likely benign. Last evaluated: 2023-04-01. Review status: criteria provided, single submitter. Criteria: CeGaT Center For Human Genetics Tuebingen Variant Classification Criteria Version 2. Collection method: clinical testing. Allele origin: germline. Affected: yes. Observed: 1 variant allele.
Comment: COX10: BP4, BP7

GeneDx
Classification: Likely benign. Last evaluated: 2016-03-24. Review status: criteria provided, single submitter. Criteria: GeneDx Variant Classification (06012015). Collection method: clinical testing. Allele origin: germline. Affected: yes.
Comment: This variant is considered likely benign or benign based on one or more of the following criteria: it is a conservative change, it occurs at a poorly conserved position in the protein, it is predicted to be benign by multiple in silico algorithms, and/or has population frequency not consistent with disease.